The following is an entry in ClinVar:

NM_004519.4(KCNQ3):c.1960G>T (p.Val654Phe)

Gene: KCNQ3 (potassium voltage-gated channel subfamily Q member 3; minus strand). Cytogenetic location: 8q24.22.
Variant type: single nucleotide variant.
Coding change: c.1960G>T on transcript NM_004519.4 (MANE Select); coding-DNA position 1960, G replaced by T.
Protein change: p.Val654Phe; replaces valine 654 with phenylalanine.
Molecular consequence: missense variant.
Genome position (GRCh38, 1-based): chr8:132,129,921, C>A on the plus strand (G>T on the coding strand, the complement: KCNQ3 is on the minus strand). VCF-style: chr8-132129921-C-A. GRCh37 (hg19) VCF-style: chr8-133142168-C-A.
Other names: c.1600G>T, p.Val534Phe (NM_001204824.2); short protein forms V654F, V534F.
Identifiers: ClinVar variation 5009200 (VCV005009200.1).
Genomic context (GRCh38, chr8:132,129,921, plus strand): 5'-CCTCCTTCTTCTCTGCTTCAGCTGGCGAGGAGGTGCCCTTGGTTGGGTAATACTCCGTGA[C>A]CTGCACCTGCAACCGTTCCATGTGTTGCATGTGCATATCCACGAGGAAGTCCAGCTTCTT-3'
Protein context (NP_004510.1, residues 644-664): MQHMERLQVQ[Val654Phe]TEYYPTKGTS

ClinVar aggregate classification (germline): Uncertain significance (1 of 4 stars; one submission).

Submission:

GeneDx
Classification: Uncertain significance. Last evaluated: 2026-03-13. Review status: criteria provided, single submitter. Criteria: GeneDx Variant Classification Process June 2021. Collection method: clinical testing. Allele origin: germline.
Comment: Has not been previously published as pathogenic or benign to our knowledge; Not observed at significant frequency in large population cohorts (gnomAD); In silico analysis suggests that this missense variant does not alter protein structure/function